The following is an entry in ClinVar:

NM_170744.5(UNC5B):c.2334del (p.Phe779fs)

Gene: UNC5B (unc-5 netrin receptor B; plus strand). Cytogenetic location: 10q22.1.
Variant type: Deletion.
Coding change: c.2334del on transcript NM_170744.5 (MANE Select); coding-DNA position 2334, one base deleted (C; older notation c.2334delC).
Protein change: p.Phe779fs; shifts the reading frame from phenylalanine 779.
Molecular consequence: frameshift variant.
Genome position (GRCh38, 1-based): chr10:71,296,586, C deleted; the last of 4 consecutive C bases (chr10:71,296,583-71,296,586); deleting any one gives the same sequence. VCF-style (leftmost placement, unchanged base first): chr10-71296582-TC-T. GRCh37 (hg19) VCF-style: chr10-73056339-TC-T.
Other names: c.2301del, p.Phe768fs (NM_001244889.2); short protein forms F768fs, F779fs.
Identifiers: ClinVar variation 504031 (VCV000504031.2), dbSNP rs1554811228, ClinGen allele CA658797434.

ClinVar aggregate classification (germline): Uncertain significance (1 of 4 stars; one submission).

Submission:

GeneDx
Classification: Uncertain significance. Last evaluated: 2018-01-12. Review status: criteria provided, single submitter. Criteria: GeneDx Variant Classification (06012015). Collection method: clinical testing. Allele origin: germline. Affected: yes.
Comment: The c.2334delC variant in the UNC5B gene has not been reported previously as a pathogenic variant nor as a benign variant, to our knowledge. The c.2334delC variant causes a frameshift starting with codon Phenylalanine 779, changes this amino acid to a Serine residue, and creates a premature Stop codon at position 92 of the new reading frame, denoted p.Phe779SerfsX92. This variant is predicted to cause loss of normal protein function either through protein truncation or nonsense-mediated mRNA decay. The c.2334delC variant is not observed in large population cohorts (Lek et al., 2016). We interpret c.2334delC as a variant of uncertain significance.